The following is an entry in ClinVar:

NM_001267550.2(TTN):c.106926C>T (p.Gly35642=)

Genes: TTN (titin; minus strand), TTN-AS1 (TTN antisense RNA 1; plus strand). Cytogenetic location: 2q31.2.
Variant type: single nucleotide variant.
Coding change: c.106926C>T on transcript NM_001267550.2 (MANE Select); coding-DNA position 106926, C replaced by T.
Protein change: p.Gly35642=; no amino-acid change (glycine 35642 retained).
Molecular consequence: synonymous variant.
Genome position (GRCh38, 1-based): chr2:178,528,825, G>A on the plus strand (C>T on the coding strand, the complement: TTN is on the minus strand). VCF-style: chr2-178528825-G-A. GRCh37 (hg19) VCF-style: chr2-179393552-G-A.
Other names: c.102003C>T, p.Gly34001= (NM_001256850.1); c.79731C>T, p.Gly26577= (NM_003319.4); c.99222C>T, p.Gly33074= (NM_133378.4); c.80106C>T, p.Gly26702= (NM_133432.3); c.80307C>T, p.Gly26769= (NM_133437.4).
Identifiers: ClinVar variation 332679 (VCV000332679.19), dbSNP rs761965591, ClinGen allele CA1985024.
Genomic context (GRCh38, chr2:178,528,825, plus strand): 5'-TAGGGTCTGATCGCTGCCTGAGACACCATATCGGTACTCCTCAGAGTTGGTAAGCTCTAC[G>A]CCATTCAGTACCCATTTCACATCAGTGGCACCAGCAATGTTGGCTTTTAAAACCAGTCTT-3'
Protein context (NP_001254479.2, residues 35632-35652): GATDVKWVLN[Gly35642=]VELTNSEEYR

ClinVar aggregate classification (germline): Conflicting classifications of pathogenicity. Review status: criteria provided, conflicting classifications (1 of 4 stars). 10 submissions from 6 submitters: Uncertain significance (3); Benign (1); Likely benign (5). 1 of the submissions does not count toward it. Last evaluated 2026-08-01.

Conditions:
Cardiovascular phenotype. Identifiers: MedGen CN230736.
Early-onset myopathy with fatal cardiomyopathy (CMYO5). Also called: Salih Myopathy; CONGENITAL MYOPATHY 5 WITH CARDIOMYOPATHY. Identifiers: Orphanet 289377, MedGen C2673677, MONDO:0012714, OMIM 611705. Disease mechanism: loss of function.
Myopathy, myofibrillar, 9, with early respiratory failure (MFM9). Also called: Hereditary myopathy with early respiratory failure; Myopathy, distal, with early respiratory failure, autosomal dominant; MYOPATHY, PROXIMAL, WITH EARLY RESPIRATORY MUSCLE INVOLVEMENT; EDSTROM MYOPATHY. Identifiers: Orphanet 178464, Orphanet 34521, MedGen C1863599, MONDO:0011362, OMIM 603689.
Autosomal recessive limb-girdle muscular dystrophy type 2J (LGMDR10). Also called: Limb-girdle muscular dystrophy, type 2J; MUSCULAR DYSTROPHY, LIMB-GIRDLE, AUTOSOMAL RECESSIVE 10. Identifiers: Orphanet 140922, MedGen C1837342, MONDO:0012127, OMIM 608807.
TTN-related disorder. Also called: TTN-related condition; TTN-related disease; TTN-related disorders.
Tibial muscular dystrophy (TMD). Also called: Tibial muscular dystrophy, tardive; Udd Distal Myopathy – Tibial Muscular Dystrophy; UDD MYOPATHY. Identifiers: Orphanet 609, MedGen C1838244, MONDO:0010870, OMIM 600334.
Dilated cardiomyopathy 1G (CMD1G). Identifiers: Orphanet 154, MedGen C1858763, MONDO:0011400, OMIM 604145.

Allele frequency attached by ClinVar (database versions not stated): ExAC 0.00009; TOPMed 0.00009; gnomAD 0.00006 and 0.00007; gnomAD exomes 0.00008.
gnomAD v4.1: 72 of 1,613,786 alleles (0.0045%); highest among the groups gnomAD compares: East Asian, 0.062%; no homozygotes.

Submissions (10):

CeGaT Center for Human Genetics Tuebingen
Classification: Likely benign. Last evaluated: 2026-08-01. Review status: criteria provided, single submitter. Criteria: CeGaT Center For Human Genetics Tuebingen Variant Classification Criteria Version 2. Collection method: clinical testing. Allele origin: germline. Affected: yes. Observed: 1 variant allele.
Comment: TTN: BP4, BP7

Labcorp Genetics (formerly Invitae), Labcorp
Classification: Likely benign for Dilated cardiomyopathy 1G; Autosomal recessive limb-girdle muscular dystrophy type 2J. Last evaluated: 2025-12-22. Review status: criteria provided, single submitter. Criteria: Invitae Variant Classification Sherloc (09022015). Collection method: clinical testing. Allele origin: germline.

Blueprint Genetics
Classification: Likely benign. Last evaluated: 2024-05-06. Review status: criteria provided, single submitter. Criteria: ACMG Guidelines, 2015. Collection method: clinical testing. Allele origin: germline.

Ambry Genetics
Classification: Likely benign for Cardiovascular phenotype. Last evaluated: 2019-08-06. Review status: criteria provided, single submitter. Criteria: Ambry Variant Classification Scheme 2023. Collection method: clinical testing. Allele origin: germline.

Illumina Laboratory Services, Illumina
Classification: Uncertain significance for Dilated cardiomyopathy 1G. Last evaluated: 2018-01-12. Review status: criteria provided, single submitter. Criteria: ICSL Variant Classification Criteria 13 December 2019. Collection method: clinical testing. Allele origin: germline.

Illumina Laboratory Services, Illumina
Classification: Uncertain significance for Early-onset myopathy with fatal cardiomyopathy. Last evaluated: 2018-01-12. Review status: criteria provided, single submitter. Criteria: ICSL Variant Classification Criteria 13 December 2019. Collection method: clinical testing. Allele origin: germline.

Illumina Laboratory Services, Illumina
Classification: Uncertain significance for Autosomal recessive limb-girdle muscular dystrophy type 2J. Last evaluated: 2018-01-12. Review status: criteria provided, single submitter. Criteria: ICSL Variant Classification Criteria 13 December 2019. Collection method: clinical testing. Allele origin: germline.

Illumina Laboratory Services, Illumina
Classification: Likely benign for Myopathy, myofibrillar, 9, with early respiratory failure. Last evaluated: 2018-01-12. Review status: criteria provided, single submitter. Criteria: ICSL Variant Classification Criteria 13 December 2019. Collection method: clinical testing. Allele origin: germline.
Comment: This variant was observed in the ICSL laboratory as part of a predisposition screen in an ostensibly healthy population. It had not been previously curated by ICSL or reported in the Human Gene Mutation Database (HGMD: prior to June 1st, 2018), and was therefore a candidate for classification through an automated scoring system. Utilizing variant allele frequency, disease prevalence and penetrance estimates, and inheritance mode, an automated score was calculated to assess if this variant is too frequent to cause the disease. Based on the score and internal cut-off values, a variant classified as likely benign is not then subjected to further curation. The score for this variant resulted in a classification of likely benign for this disease.

Illumina Laboratory Services, Illumina
Classification: Benign for Tibial muscular dystrophy. Last evaluated: 2018-01-12. Review status: criteria provided, single submitter. Criteria: ICSL Variant Classification Criteria 13 December 2019. Collection method: clinical testing. Allele origin: germline.
Comment: This variant was observed in the ICSL laboratory as part of a predisposition screen in an ostensibly healthy population. It had not been previously curated by ICSL or reported in the Human Gene Mutation Database (HGMD: prior to June 1st, 2018), and was therefore a candidate for classification through an automated scoring system. Utilizing variant allele frequency, disease prevalence and penetrance estimates, and inheritance mode, an automated score was calculated to assess if this variant is too frequent to cause the disease. Based on the score and internal cut-off values, a variant classified as benign is not then subjected to further curation. The score for this variant resulted in a classification of benign for this disease.

PreventionGenetics, part of Exact Sciences
Classification: Likely benign for TTN-related condition. Last evaluated: 2019-05-22. Review status: no assertion criteria provided. Collection method: clinical testing. Allele origin: germline. Not counted in ClinVar's aggregate classification.
Comment: This variant is classified as likely benign based on ACMG/AMP sequence variant interpretation guidelines (Richards et al. 2015 PMID: 25741868, with internal and published modifications).